The following is an entry in ClinVar:

ClinVar aggregate classification (germline): Conflicting classifications of pathogenicity. Review status: criteria provided, conflicting classifications (1 of 4 stars). 20 submissions from 16 submitters: Uncertain significance (4); Benign (7); Likely benign (5). 4 of the submissions do not count toward it. Last evaluated 2026-07-01.

Conditions:
Cardiovascular phenotype. Identifiers: MedGen CN230736.
Dilated cardiomyopathy 1G (CMD1G). Identifiers: Orphanet 154, MedGen C1858763, MONDO:0011400, OMIM 604145.
Autosomal recessive limb-girdle muscular dystrophy type 2J (LGMDR10). Also called: MUSCULAR DYSTROPHY, LIMB-GIRDLE, AUTOSOMAL RECESSIVE 10; Limb-girdle muscular dystrophy, type 2J. Identifiers: Orphanet 140922, MedGen C1837342, MONDO:0012127, OMIM 608807.
Cardiomyopathy (CMYO). Also called: Cardiomyopathies. Identifiers: Orphanet 167848, MedGen C0878544, MONDO:0004994, HP:0001638. Inheritance: Various modes of inheritance.
Myopathy, myofibrillar, 9, with early respiratory failure (MFM9). Also called: Myopathy, distal, with early respiratory failure, autosomal dominant; Hereditary myopathy with early respiratory failure; MYOPATHY, PROXIMAL, WITH EARLY RESPIRATORY MUSCLE INVOLVEMENT; EDSTROM MYOPATHY. Identifiers: Orphanet 178464, Orphanet 34521, MedGen C1863599, MONDO:0011362, OMIM 603689.
Early-onset myopathy with fatal cardiomyopathy (CMYO5). Also called: CONGENITAL MYOPATHY 5 WITH CARDIOMYOPATHY; Salih Myopathy. Identifiers: Orphanet 289377, MedGen C2673677, MONDO:0012714, OMIM 611705. Disease mechanism: loss of function.
Tibial muscular dystrophy (TMD). Also called: Udd Distal Myopathy – Tibial Muscular Dystrophy; Tibial muscular dystrophy, tardive; UDD MYOPATHY. Identifiers: Orphanet 609, MedGen C1838244, MONDO:0010870, OMIM 600334.

Allele frequency attached by ClinVar (database versions not stated): gnomAD exomes 0.00049 and 0.00070; gnomAD 0.00042 and 0.00041; TOPMed 0.00044; ExAC 0.00048; ESP Exome Variant Server 0.00033; 1000 Genomes Project 0.00040; 1000 Genomes Project 30x 0.00047.
gnomAD v4.1: 1,063 of 1,613,356 alleles (0.066%); highest among the groups gnomAD compares: Admixed American, 0.088%; 3 homozygotes.

Submissions (20):

CeGaT Center for Human Genetics Tuebingen
Classification: Likely benign. Last evaluated: 2026-07-01. Review status: criteria provided, single submitter. Criteria: CeGaT Center For Human Genetics Tuebingen Variant Classification Criteria Version 2. Collection method: clinical testing. Allele origin: germline. Affected: yes. Observed: 4 variant alleles.
Comment: TTN: BP4, BP7

Labcorp Genetics (formerly Invitae), Labcorp
Classification: Likely benign for Dilated cardiomyopathy 1G; Autosomal recessive limb-girdle muscular dystrophy type 2J. Last evaluated: 2026-01-28. Review status: criteria provided, single submitter. Criteria: Invitae Variant Classification Sherloc (09022015). Collection method: clinical testing. Allele origin: germline.

Mayo Clinic Laboratories, Mayo Clinic
Classification: Benign. Last evaluated: 2025-01-30. Review status: criteria provided, single submitter. Criteria: ACMG Guidelines, 2015. Collection method: clinical testing. Allele origin: germline. Observed: 3 variant alleles.
Comment: BS1, BS2, BP4, BP7

Blueprint Genetics
Classification: Likely benign. Last evaluated: 2024-11-26. Review status: criteria provided, single submitter. Criteria: ACMG Guidelines, 2015. Collection method: clinical testing. Allele origin: germline.

Women's Health and Genetics/Laboratory Corporation of America, LabCorp
Classification: Benign. Last evaluated: 2024-03-28. Review status: criteria provided, single submitter. Criteria: LabCorp Variant Classification Summary - May 2015. Collection method: clinical testing. Allele origin: germline.

CHEO Genetics Diagnostic Laboratory, Children's Hospital of Eastern Ontario
Classification: Benign for Cardiomyopathy. Last evaluated: 2018-10-11. Review status: criteria provided, single submitter. Criteria: ACMG Guidelines, 2015. Collection method: clinical testing. Allele origin: germline.

Illumina Laboratory Services, Illumina
Classification: Uncertain significance for Early-onset myopathy with fatal cardiomyopathy. Last evaluated: 2018-01-13. Review status: criteria provided, single submitter. Criteria: ICSL Variant Classification Criteria 13 December 2019. Collection method: clinical testing. Allele origin: germline.

Illumina Laboratory Services, Illumina
Classification: Benign for Tibial muscular dystrophy. Last evaluated: 2018-01-13. Review status: criteria provided, single submitter. Criteria: ICSL Variant Classification Criteria 13 December 2019. Collection method: clinical testing. Allele origin: germline.
Comment: This variant was observed in the ICSL laboratory as part of a predisposition screen in an ostensibly healthy population. It had not been previously curated by ICSL or reported in the Human Gene Mutation Database (HGMD: prior to June 1st, 2018), and was therefore a candidate for classification through an automated scoring system. Utilizing variant allele frequency, disease prevalence and penetrance estimates, and inheritance mode, an automated score was calculated to assess if this variant is too frequent to cause the disease. Based on the score and internal cut-off values, a variant classified as benign is not then subjected to further curation. The score for this variant resulted in a classification of benign for this disease.

Illumina Laboratory Services, Illumina
Classification: Uncertain significance for Dilated cardiomyopathy 1G. Last evaluated: 2018-01-13. Review status: criteria provided, single submitter. Criteria: ICSL Variant Classification Criteria 13 December 2019. Collection method: clinical testing. Allele origin: germline.

Illumina Laboratory Services, Illumina
Classification: Uncertain significance for Autosomal recessive limb-girdle muscular dystrophy type 2J. Last evaluated: 2018-01-13. Review status: criteria provided, single submitter. Criteria: ICSL Variant Classification Criteria 13 December 2019. Collection method: clinical testing. Allele origin: germline.

Illumina Laboratory Services, Illumina
Classification: Benign for Myopathy, myofibrillar, 9, with early respiratory failure. Last evaluated: 2018-01-13. Review status: criteria provided, single submitter. Criteria: ICSL Variant Classification Criteria 13 December 2019. Collection method: clinical testing. Allele origin: germline.
Comment: the same text as in the submission from Illumina Laboratory Services, Illumina above.

Ambry Genetics
Classification: Likely benign for Cardiovascular phenotype. Last evaluated: 2017-10-11. Review status: criteria provided, single submitter. Criteria: Ambry Variant Classification Scheme 2023. Collection method: clinical testing. Allele origin: germline.

Eurofins Ntd Llc (ga)
Classification: Uncertain significance. Last evaluated: 2017-06-06. Review status: criteria provided, single submitter. Criteria: EGL Classification Definitions 2015. Collection method: clinical testing. Allele origin: germline. Observed: 4 variant alleles, 4 heterozygotes.

Athena Diagnostics
Classification: Benign. Last evaluated: 2016-12-30. Review status: criteria provided, single submitter. Criteria: Athena Diagnostics Criteria. Collection method: clinical testing. Allele origin: germline.

GeneDx
Classification: Benign. Last evaluated: 2014-07-28. Review status: criteria provided, single submitter. Criteria: GeneDx Variant Classification (06012015). Collection method: clinical testing. Allele origin: germline. Affected: yes.
Comment: This variant is considered likely benign or benign based on one or more of the following criteria: it is a conservative change, it occurs at a poorly conserved position in the protein, it is predicted to be benign by multiple in silico algorithms, and/or has population frequency not consistent with disease.

Laboratory for Molecular Medicine, Mass General Brigham Personalized Medicine
Classification: Likely benign. Last evaluated: 2012-02-06. Review status: criteria provided, single submitter. Criteria: LMM Criteria. Collection method: clinical testing. Allele origin: germline. Observed: 2 variant alleles.
Comment: Thr24467Thr in exon 275 of TTN: This variant is not expected to have clinical si gnificance because it does not alter an amino acid residue, is not located withi n the splice consensus sequence and has been identified in 3/6630 European Ameri can chromosomes by the NHLBI Exome Sequencing Project in a broad population (dbSNP rs72648212). Thr24467Thr in exon 275 of TT N (rs72648212; allele frequency = 3/6630) **

Clinical Genetics DNA and cytogenetics Diagnostics Lab, Erasmus MC, Erasmus Medical Center
Classification: Likely benign. Review status: no assertion criteria provided. Collection method: clinical testing. Allele origin: germline. Affected: yes. Study: VKGL Data-share Consensus. Not counted in ClinVar's aggregate classification.

Clinical Genetics, Academic Medical Center
Classification: Benign. Review status: no assertion criteria provided. Collection method: clinical testing. Allele origin: germline. Affected: yes. Study: VKGL Data-share Consensus. Not counted in ClinVar's aggregate classification.

Diagnostic Laboratory, Department of Genetics, University Medical Center Groningen
Classification: Likely benign. Review status: no assertion criteria provided. Collection method: clinical testing. Allele origin: germline. Affected: yes. Study: VKGL Data-share Consensus. Not counted in ClinVar's aggregate classification.

Joint Genome Diagnostic Labs from Nijmegen and Maastricht, Radboudumc and MUMC+
Classification: Benign. Review status: no assertion criteria provided. Collection method: clinical testing. Allele origin: germline. Affected: yes. Study: VKGL Data-share Consensus. Not counted in ClinVar's aggregate classification.

Literature cited by the submitters: PubMed 24503780 (cited by Athena Diagnostics).

NM_001267550.2(TTN):c.81105C>A (p.Thr27035=)

Genes: TTN (titin; minus strand), TTN-AS1 (TTN antisense RNA 1; plus strand). Cytogenetic location: 2q31.2.
Variant type: single nucleotide variant.
Coding change: c.81105C>A on transcript NM_001267550.2 (MANE Select); coding-DNA position 81105, C replaced by A.
Protein change: p.Thr27035=; no amino-acid change (threonine 27035 retained).
Molecular consequence: synonymous variant.
Genome position (GRCh38, 1-based): chr2:178,565,027, G>T on the plus strand (C>A on the coding strand, the complement: TTN is on the minus strand). VCF-style: chr2-178565027-G-T. GRCh37 (hg19) VCF-style: chr2-179429754-G-T.
Other names: p.T25394T:ACC>ACA; p.Thr25394=; c.76182C>A, p.Thr25394= (NM_001256850.1); c.53910C>A, p.Thr17970= (NM_003319.4); c.73401C>A, p.Thr24467= (NM_133378.4); c.54285C>A, p.Thr18095= (NM_133432.3); c.54486C>A, p.Thr18162= (NM_133437.4).
Identifiers: ClinVar variation 47395 (VCV000047395.75), dbSNP rs72648212, ClinGen allele CA283874.
Genomic context (GRCh38, chr2:178,565,027, plus strand): 5'-TTTTCCATACCTGTTTTCAGCAAAAATTCTAAACTGGTACTCCGTGCCTGTTTTCAGTTT[G>T]GTTATTTTAATTGTTGTTCTTGCAACTGTTGCTGATACCATGTGCCAAGTGGTGGTGGTT-3'
Protein context (NP_001254479.2, residues 27025-27045): ATVARTTIKI[Thr27035=]KLKTGTEYQF